The following is an entry in ClinVar:

ClinVar aggregate classification (germline): Likely pathogenic (1 of 4 stars; one submission).

Conditions:
TG-related disorder. Also called: TG-related condition; TG-related disorders.

Submission:

PreventionGenetics, part of Exact Sciences
Classification: Likely pathogenic for TG-related condition. Last evaluated: 2026-03-03. Review status: criteria provided, single submitter. Criteria: ACMG Guidelines, 2015. Collection method: clinical testing. Allele origin: germline.
Comment: The TG c.6753G>A variant is predicted to result in premature protein termination (p.Trp2251*). To our knowledge, this variant has not been reported in the literature or in a large population database (gnomAD), indicating this variant is rare. Nonsense variants in TG are expected to be pathogenic. This variant is interpreted as likely pathogenic.

NM_003235.5(TG):c.6753G>A (p.Trp2251Ter)

Gene: TG (thyroglobulin; plus strand). Cytogenetic location: 8q24.22.
Variant type: single nucleotide variant.
Coding change: c.6753G>A on transcript NM_003235.5 (MANE Select); coding-DNA position 6753, G replaced by A.
Protein change: p.Trp2251Ter; replaces tryptophan 2251 with a stop codon.
Molecular consequence: nonsense.
Genome position (GRCh38, 1-based): chr8:133,017,968, G>A. VCF-style: chr8-133017968-G-A. GRCh37 (hg19) VCF-style: chr8-134030213-G-A.
Other names: short protein forms W2251*.
Identifiers: ClinVar variation 4992981 (VCV004992981.1).